The following is an entry in ClinVar:

NM_007254.4(PNKP):c.143del (p.Arg48fs)

Gene: PNKP (polynucleotide kinase 3'-phosphatase; minus strand). Cytogenetic location: 19q13.33.
Variant type: Deletion.
Coding change: c.143del on transcript NM_007254.4 (MANE Select); coding-DNA position 143, one base deleted (G; older notation c.143delG).
Protein change: p.Arg48fs; shifts the reading frame from arginine 48.
Molecular consequence: frameshift variant.
Genome position (GRCh38, 1-based): chr19:49,867,062, C deleted on the plus strand (G on the coding strand, the reverse complement: PNKP is on the minus strand). VCF-style (leftmost placement, unchanged base first): chr19-49867061-TC-T. GRCh37 (hg19) VCF-style: chr19-50370318-TC-T.
Other names: c.143del (NM_007254.3); short protein forms R48fs.
Identifiers: ClinVar variation 580950 (VCV000580950.13), dbSNP rs766530579, ClinGen allele CA9587074.

ClinVar aggregate classification (germline): Pathogenic/Likely pathogenic. Review status: criteria provided, multiple submitters, no conflicts (2 of 4 stars). 3 submissions from 3 submitters: Pathogenic (2); Likely pathogenic (1). Last evaluated 2025-10-24.

Conditions:
Developmental and epileptic encephalopathy, 12 (DEE12). Identifiers: MedGen C3150988, MONDO:0013389, OMIM 613722.
PNKP-related disorder. Also called: PNKP-related disorders; PNKP-related condition.

Allele frequency attached by ClinVar (database versions not stated): TOPMed below 0.00001; ExAC 0.00001; gnomAD exomes 0.00001.

Submissions (3):

GeneDx
Classification: Pathogenic. Last evaluated: 2025-10-24. Review status: criteria provided, single submitter. Criteria: GeneDx Variant Classification Process June 2021. Collection method: clinical testing. Allele origin: germline.
Comment: Frameshift variant predicted to result in protein truncation or nonsense mediated decay in a gene for which loss of function is a known mechanism of disease; Not observed at significant frequency in large population cohorts (gnomAD); This variant is associated with the following publications: (PMID: 34490615, 31440721)

Labcorp Genetics (formerly Invitae), Labcorp
Classification: Pathogenic for Developmental and epileptic encephalopathy, 12. Last evaluated: 2025-10-24. Review status: criteria provided, single submitter. Criteria: Invitae Variant Classification Sherloc (09022015). Collection method: clinical testing. Allele origin: germline.
Comment: This sequence change creates a premature translational stop signal (p.Arg48Lysfs*17) in the PNKP gene. It is expected to result in an absent or disrupted protein product. Loss-of-function variants in PNKP are known to be pathogenic (PMID: 20118933, 25728773). This variant is present in population databases (rs766530579, gnomAD 0.003%). This variant has not been reported in the literature in individuals affected with PNKP-related conditions. ClinVar contains an entry for this variant (Variation ID: 580950). For these reasons, this variant has been classified as Pathogenic.

Blueprint Genetics
Classification: Likely pathogenic for PNKP-related disorders. Last evaluated: 2024-11-26. Review status: criteria provided, single submitter. Criteria: ACMG Guidelines, 2015. Collection method: clinical testing. Allele origin: germline. Affected: yes. Observed: 5 variant alleles.

Literature cited by the submitters: PubMed 20118933 (cited by Labcorp Genetics (formerly Invitae), Labcorp); PubMed 25728773 (cited by Labcorp Genetics (formerly Invitae), Labcorp).